The following is an entry in ClinVar:

ClinVar aggregate classification (germline): Uncertain significance (1 of 4 stars; one submission).

Conditions:
Familial temporal lobe epilepsy 7. Identifiers: Orphanet 101046, MedGen C4225327, MONDO:0014639, OMIM 616436.
Norman-Roberts syndrome (LIS2). Also called: Lissencephaly 2 (Norman-Roberts type). Identifiers: Orphanet 89844, MedGen C0796089, MONDO:0009760, OMIM 257320.

Allele frequency attached by ClinVar (database versions not stated): TOPMed below 0.00001; ExAC 0.00001; gnomAD 0.00001; gnomAD exomes 0.00001.
gnomAD v4.1: 17 of 1,613,928 alleles (0.0011%); highest among the groups gnomAD compares: South Asian, 0.0022%; no homozygotes.

Submission:

Labcorp Genetics (formerly Invitae), Labcorp
Classification: Uncertain significance for Familial temporal lobe epilepsy 7; Norman-Roberts syndrome. Last evaluated: 2021-02-24. Review status: criteria provided, single submitter. Criteria: Invitae Variant Classification Sherloc (09022015). Collection method: clinical testing. Allele origin: germline.
Comment: In summary, the available evidence is currently insufficient to determine the role of this variant in disease. Therefore, it has been classified as a Variant of Uncertain Significance. Algorithms developed to predict the effect of missense changes on protein structure and function (SIFT, PolyPhen-2, Align-GVGD) all suggest that this variant is likely to be tolerated, but these predictions have not been confirmed by published functional studies and their clinical significance is uncertain. This variant has not been reported in the literature in individuals with RELN-related conditions. This variant is present in population databases (rs758157213, ExAC 0.006%). This sequence change replaces isoleucine with valine at codon 1614 of the RELN protein (p.Ile1614Val). The isoleucine residue is moderately conserved and there is a small physicochemical difference between isoleucine and valine.

NM_005045.4(RELN):c.4840A>G (p.Ile1614Val)

Gene: RELN (reelin; minus strand). Cytogenetic location: 7q22.1.
Variant type: single nucleotide variant.
Coding change: c.4840A>G on transcript NM_005045.4 (MANE Select); coding-DNA position 4840, A replaced by G.
Protein change: p.Ile1614Val; replaces isoleucine 1614 with valine.
Molecular consequence: missense variant.
Genome position (GRCh38, 1-based): chr7:103,566,320, T>C on the plus strand (A>G on the coding strand, the complement: RELN is on the minus strand). VCF-style: chr7-103566320-T-C. GRCh37 (hg19) VCF-style: chr7-103206767-T-C.
Other names: c.4840A>G, p.Ile1614Val (NM_173054.3); short protein forms I1614V.
Identifiers: ClinVar variation 855496 (VCV000855496.9), dbSNP rs758157213, ClinGen allele CA4421398.